The following is an entry in ClinVar:

NM_004725.4(BUB3):c.256A>G (p.Thr86Ala)

Gene: BUB3 (BUB3 mitotic checkpoint protein; plus strand). Cytogenetic location: 10q26.13.
Variant type: single nucleotide variant.
Coding change: c.256A>G on transcript NM_004725.4 (MANE Select); coding-DNA position 256, A replaced by G.
Protein change: p.Thr86Ala; replaces threonine 86 with alanine.
Molecular consequence: missense variant.
Genome position (GRCh38, 1-based): chr10:123,155,718, A>G. VCF-style: chr10-123155718-A-G. GRCh37 (hg19) VCF-style: chr10-124915234-A-G.
Other names: c.256A>G, p.Thr86Ala (NM_001007793.3); short protein forms T86A.
Identifiers: ClinVar variation 1793207 (VCV001793207.2), dbSNP rs1844341189, ClinGen allele CA378625292.

ClinVar aggregate classification (germline): Uncertain significance (1 of 4 stars; one submission).

Allele frequency attached by ClinVar (database versions not stated): TOPMed below 0.00001.

Submission:

Ambry Genetics
Classification: Uncertain significance. Last evaluated: 2021-11-22. Review status: criteria provided, single submitter. Criteria: Ambry Variant Classification Scheme 2023. Collection method: clinical testing. Allele origin: germline.
Comment: The p.T86A variant (also known as c.256A>G), located in coding exon 2 of the BUB3 gene, results from an A to G substitution at nucleotide position 256. The threonine at codon 86 is replaced by alanine, an amino acid with similar properties. This amino acid position is conserved. In addition, the in silico prediction for this alteration is inconclusive. Since supporting evidence is limited at this time, the clinical significance of this alteration remains unclear.